The following is an entry in ClinVar:

NM_201384.3(PLEC):c.13468C>T (p.Arg4490Cys)

Gene: PLEC (plectin; minus strand). Cytogenetic location: 8q24.3.
Variant type: single nucleotide variant.
Coding change: c.13468C>T on transcript NM_201384.3 (MANE Select); coding-DNA position 13468, C replaced by T.
Protein change: p.Arg4490Cys; replaces arginine 4490 with cysteine.
Molecular consequence: missense variant.
Genome position (GRCh38, 1-based): chr8:143,916,353, G>A on the plus strand (C>T on the coding strand, the complement: PLEC is on the minus strand). VCF-style: chr8-143916353-G-A. GRCh37 (hg19) VCF-style: chr8-144990521-G-A.
Other names: c.13549C>T, p.Arg4517Cys (NM_000445.5); c.13426C>T, p.Arg4476Cys (NM_201378.4); c.13402C>T, p.Arg4468Cys (NM_201379.3); c.13879C>T, p.Arg4627Cys (NM_201380.4); c.13372C>T, p.Arg4458Cys (NM_201381.3); c.13468C>T, p.Arg4490Cys (NM_201382.4); c.13480C>T, p.Arg4494Cys (NM_201383.3); c.13549C>T (NM_000445.3); short protein forms R4490C, R4517C, R4627C, R4476C, R4494C, R4458C, R4468C.
Identifiers: ClinVar variation 663182 (VCV000663182.10), dbSNP rs782717056, ClinGen allele CA4923799.

ClinVar aggregate classification (germline): Uncertain significance. Review status: criteria provided, multiple submitters, no conflicts (2 of 4 stars). 2 submissions from 2 submitters: Uncertain significance (2). Last evaluated 2025-09-03.

Conditions:
Epidermolysis bullosa simplex, Ogna type (EBS5A). Also called: Pidermolysis bullosa simplex 5A, Ogna type; EPIDERMOLYSIS BULLOSA SIMPLEX 5A, OGNA TYPE. Identifiers: Orphanet 79401, MedGen C0432317, MONDO:0007555, OMIM 131950.
Autosomal recessive limb-girdle muscular dystrophy type 2Q (LGMDR17). Also called: MUSCULAR DYSTROPHY, LIMB-GIRDLE, AUTOSOMAL RECESSIVE 17. Identifiers: Orphanet 254361, MedGen C3150989, MONDO:0013390, OMIM 613723.
Epidermolysis bullosa simplex with nail dystrophy (EBS5D). Identifiers: MedGen C4225309, MONDO:0014661, OMIM 616487.
Epidermolysis bullosa simplex 5B, with muscular dystrophy (EBS5B). Also called: Epidermolysis bullosa simplex with muscular dystrophy; EPIDERMOLYSIS BULLOSA SIMPLEX AND LIMB-GIRDLE MUSCULAR DYSTROPHY. Identifiers: Orphanet 257, MedGen C2931072, MONDO:0009181, OMIM 226670.
Epidermolysis bullosa simplex 5C, with pyloric atresia (EBS5C). Also called: PLEC-Related Epidermolysis Bullosa with Pyloric Atresia; PLEC1-Related Epidermolysis Bullosa with Pyloric Atresia; Epidermolysis bullosa simplex with pyloric atresia. Identifiers: Orphanet 158684, MedGen C2677349, MONDO:0012807, OMIM 612138.

Allele frequency attached by ClinVar (database versions not stated): TOPMed 0.00006.
gnomAD v4.1: 82 of 1,605,858 alleles (0.0051%); highest among the groups gnomAD compares: South Asian, 0.017%; no homozygotes.

Submissions (2):

Labcorp Genetics (formerly Invitae), Labcorp
Classification: Uncertain significance for Autosomal recessive limb-girdle muscular dystrophy type 2Q; Epidermolysis bullosa simplex, Ogna type; Epidermolysis bullosa simplex with nail dystrophy; Epidermolysis bullosa simplex 5C, with pyloric atresia; Epidermolysis bullosa simplex 5B, with muscular dystrophy. Last evaluated: 2025-09-03. Review status: criteria provided, single submitter. Criteria: Invitae Variant Classification Sherloc (09022015). Collection method: clinical testing. Allele origin: germline.
Comment: This sequence change replaces arginine, which is basic and polar, with cysteine, which is neutral and slightly polar, at codon 4517 of the PLEC protein (p.Arg4517Cys). This variant is present in population databases (rs782717056, gnomAD 0.02%). This variant has not been reported in the literature in individuals affected with PLEC-related conditions. ClinVar contains an entry for this variant (Variation ID: 663182). Invitae Evidence Modeling of protein sequence and biophysical properties (such as structural, functional, and spatial information, amino acid conservation, physicochemical variation, residue mobility, and thermodynamic stability) has been performed for this missense variant. However, the output from this modeling did not meet the statistical confidence thresholds required to predict the impact of this variant on PLEC protein function. In summary, the available evidence is currently insufficient to determine the role of this variant in disease. Therefore, it has been classified as a Variant of Uncertain Significance.

GeneDx
Classification: Uncertain significance. Last evaluated: 2025-02-18. Review status: criteria provided, single submitter. Criteria: GeneDx Variant Classification Process June 2021. Collection method: clinical testing. Allele origin: germline. Affected: yes.
Comment: Reported previously, in an alternate transcript, as a rare variant in a study looking at patients with arrhythmogenic right ventricular cardiomyopathy; however, it was determined that PLEC variants were not enriched in this population (PMID: 30161220); In silico analysis supports that this missense variant has a deleterious effect on protein structure/function; Missense variant in a gene in which most reported pathogenic variants are truncating/loss of function; This variant is associated with the following publications: (PMID: 30161220)